The following is an entry in ClinVar:

ClinVar aggregate classification (germline): Benign (1 of 4 stars; one submission).

Conditions:
MELAS syndrome (MELAS). Also called: Juvenile myopathy, encephalopathy, lactic acidosis, stroke. Identifiers: Orphanet 550, MedGen C0162671, MONDO:0010789, OMIM 540000.

Submission:

Wong Mito Lab, Molecular and Human Genetics, Baylor College of Medicine
Classification: Benign for MELAS syndrome. Last evaluated: 2019-07-12. Review status: criteria provided, single submitter. Criteria: Modified ACMG Guidelines (Unpublished). Collection method: clinical testing. Allele origin: germline.
Comment: The NC_012920.1:m.15944dupT variant in MT-TT gene is interpreted to be a Benign variant based on the modified ACMG guidelines (unpublished). This variant meets the following evidence codes reported in the guidelines: BS1, BS2

Literature cited by the submitters: PubMed 31965079.

NC_012920.1(MT-TT):m.15944dup

Gene: MT-TT (mitochondrially encoded tRNA threonine; plus strand).
Variant type: Duplication.
Genome position: chrM-15939-C-CT.
Identifiers: ClinVar variation 690254 (VCV000690254.1), dbSNP rs1603225607, ClinGen allele CA915952153.